The following is an entry in ClinVar:

ClinVar aggregate classification (germline): Uncertain significance (1 of 4 stars; one submission).

Conditions:
Cataract 33. Also called: CATARACT 33, CORTICAL. Identifiers: Orphanet 91492, MedGen C3808107, MONDO:0012665, OMIM 611391.

Allele frequency attached by ClinVar (database versions not stated): gnomAD 0.00003; TOPMed 0.00005; ESP Exome Variant Server 0.00008; ExAC 0.00015.
gnomAD v4.1: 129 of 1,614,056 alleles (0.008%); highest among the groups gnomAD compares: Middle Eastern, 0.18%; 2 homozygotes.

Submission:

Labcorp Genetics (formerly Invitae), Labcorp
Classification: Uncertain significance for Cataract 33. Last evaluated: 2024-01-22. Review status: criteria provided, single submitter. Criteria: Invitae Variant Classification Sherloc (09022015). Collection method: clinical testing. Allele origin: germline.
Comment: This sequence change replaces glutamic acid, which is acidic and polar, with lysine, which is basic and polar, at codon 626 of the BFSP1 protein (p.Glu626Lys). This variant is present in population databases (rs374664442, gnomAD 0.09%). This variant has not been reported in the literature in individuals affected with BFSP1-related conditions. Advanced modeling of protein sequence and biophysical properties (such as structural, functional, and spatial information, amino acid conservation, physicochemical variation, residue mobility, and thermodynamic stability) has been performed at Invitae for this missense variant, however the output from this modeling did not meet the statistical confidence thresholds required to predict the impact of this variant on BFSP1 protein function. In summary, the available evidence is currently insufficient to determine the role of this variant in disease. Therefore, it has been classified as a Variant of Uncertain Significance.

NM_001195.5(BFSP1):c.1876G>A (p.Glu626Lys)

Gene: BFSP1 (beaded filament structural protein 1; minus strand). Cytogenetic location: 20p12.1.
Variant type: single nucleotide variant.
Coding change: c.1876G>A on transcript NM_001195.5 (MANE Select); coding-DNA position 1876, G replaced by A.
Protein change: p.Glu626Lys; replaces glutamic acid 626 with lysine.
Molecular consequence: missense variant.
Genome position (GRCh38, 1-based): chr20:17,494,196, C>T on the plus strand (G>A on the coding strand, the complement: BFSP1 is on the minus strand). VCF-style: chr20-17494196-C-T. GRCh37 (hg19) VCF-style: chr20-17474841-C-T.
Other names: c.1501G>A, p.Glu501Lys (NM_001161705.2); c.1459G>A, p.Glu487Lys (NM_001278606.2, NM_001278608.2); c.1543G>A, p.Glu515Lys (NM_001278607.2); c.1768G>A, p.Glu590Lys (NM_001424338.1); short protein forms E590K, E626K, E501K, E515K, E487K.
Identifiers: ClinVar variation 2849469 (VCV002849469.3), dbSNP rs374664442, ClinGen allele CA9771970.
Genomic context (GRCh38, chr20:17,494,196, plus strand): 5'-CGATCACAGCGGTTTCTTCATATGTCTGAATGCTCTCCGTGGAAATCTTCTCGATAGATT[C>T]CACCACTTCCACTGTCTTATAGGCCAAAGCCTTGGGAGGGCCTTTTTCTGGCAGGCTTCT-3'
Protein context (NP_001186.1, residues 616-636): ALAYKTVEVV[Glu626Lys]SIEKISTESI